The following is an entry in ClinVar:

NM_001276345.2(TNNT2):c.304C>T (p.Arg102Trp)

Gene: TNNT2 (troponin T2, cardiac type; minus strand). Cytogenetic location: 1q32.1.
Variant type: single nucleotide variant.
Coding change: c.304C>T on transcript NM_001276345.2 (MANE Select); coding-DNA position 304, C replaced by T.
Protein change: p.Arg102Trp; replaces arginine 102 with tryptophan.
Molecular consequence: missense variant. On other transcripts: intron variant (1).
Genome position (GRCh38, 1-based): chr1:201,365,298, G>A on the plus strand (C>T on the coding strand, the complement: TNNT2 is on the minus strand). VCF-style: chr1-201365298-G-A. GRCh37 (hg19) VCF-style: chr1-201334426-G-A.
Other names: p.R92W:CGG>TGG; c.304C>T, p.Arg102Trp (NM_000364.4); c.274C>T, p.Arg92Trp (NM_001001430.3, NM_001001431.3, NM_001276347.2); c.259C>T, p.Arg87Trp (NM_001001432.3); c.291+312C>T (NM_001276346.2); c.304C>T (NM_001276345.1); short protein forms R102W, R92W, R87W.
Identifiers: ClinVar variation 43627 (VCV000043627.52), dbSNP rs397516456, ClinGen allele CA004266.
Genomic context (GRCh38, chr1:201,365,298, plus strand): 5'-TCTCAAAGTGAGCCTCGATCAGCGCCTGCAACTCATTCAGGTCCTTCTCCATGCGCTTCC[G>A]GTGGATGTCCTGTGGGTGGACCGCTGCGGCTCAGAGGCTGCCACTCCAAAGAGTCCAGAG-3'
Protein context (NP_001263274.1, residues 92-112): GERVDFDDIH[Arg102Trp]KRMEKDLNEL

ClinVar aggregate classification (germline): Pathogenic/Likely pathogenic. Review status: criteria provided, multiple submitters, no conflicts (2 of 4 stars). 22 submissions from 20 submitters: Pathogenic (18); Likely pathogenic (1). 3 of the submissions do not count toward it. Last evaluated 2026-01-20.

Conditions:
Cardiovascular phenotype. Identifiers: MedGen CN230736.
TNNT2-related disorder. Also called: TNNT2-related condition.
Dilated cardiomyopathy 1D. Identifiers: Orphanet 154, Orphanet 54260, MedGen C1832243, MONDO:0011095, OMIM 601494.
Cardiomyopathy, familial restrictive, 3. Identifiers: Orphanet 75249, MedGen C2676271, MONDO:0012900, OMIM 612422.
Hypertrophic cardiomyopathy 2. Also called: TNNT2-Related Familial Hypertrophic Cardiomyopathy. Identifiers: MedGen C1861864, MONDO:0007266, OMIM 115195.
Cardiomyopathy (CMYO). Also called: Cardiomyopathies. Identifiers: Orphanet 167848, MedGen C0878544, MONDO:0004994, HP:0001638. Inheritance: Various modes of inheritance.
Hypertrophic cardiomyopathy. Also called: HYPERTROPHIC MYOCARDIOPATHY. Identifiers: Orphanet 217569, MedGen C0007194, MeSH D002312, MONDO:0005045, HP:0001639.

Allele frequency attached by ClinVar (database versions not stated): gnomAD 0.00001 and 0.00002; gnomAD exomes below 0.00001 and 0.00001; TOPMed 0.00001; ExAC 0.00001.

Submissions 1 to 5 of 22:

Ambry Genetics
Classification: Likely pathogenic for Cardiovascular phenotype. Last evaluated: 2026-01-20. Review status: criteria provided, single submitter. Criteria: Ambry Variant Classification Scheme 2023. Collection method: clinical testing. Allele origin: germline.
Comment: The c.274C>T (p.R92W) alteration is located in exon 9 (coding exon 8) of the TNNT2 gene. This alteration results from a C to T substitution at nucleotide position 274, causing the arginine (R) at amino acid position 92 to be replaced by a tryptophan (W). Based on data from gnomAD, the T allele has an overall frequency of 0.001% (2/282802) total alleles studied. The highest observed frequency was 0.004% (1/24960) of African alleles. This variant was identified in one or more individuals with features consistent with hypertrophic cardiomyopathy (HCM) and segregated with disease in at least one family (Moolman, 1997; Moolman-Smook, 1999; Fujino, 2001; Varnava, 2001; Ackerman, 2002; Van Driest, 2003). Another variant at the same codon, p.R92Q (c.275G>A), has been identified in individual(s) with features consistent with HCM (Morita, 2008). This amino acid position is highly conserved in available vertebrate species. This alteration is predicted to be deleterious by in silico analysis. Based on the available evidence, this alteration is classified as likely pathogenic.

Labcorp Genetics (formerly Invitae), Labcorp
Classification: Pathogenic for Cardiomyopathy, familial restrictive, 3; Hypertrophic cardiomyopathy 2; Dilated cardiomyopathy 1D. Last evaluated: 2026-01-14. Review status: criteria provided, single submitter. Criteria: Invitae Variant Classification Sherloc (09022015). Collection method: clinical testing. Allele origin: germline.
Comment: This sequence change replaces arginine, which is basic and polar, with tryptophan, which is neutral and slightly polar, at codon 92 of the TNNT2 protein (p.Arg92Trp). This variant is present in population databases (rs397516456, gnomAD 0.0009%). This missense change has been observed in individual(s) with hypertrophic cardiomyopathy (PMID: 8951566, 9060892, 26507537). It has also been observed to segregate with disease in related individuals. ClinVar contains an entry for this variant (Variation ID: 43627). Invitae Evidence Modeling of protein sequence and biophysical properties (such as structural, functional, and spatial information, amino acid conservation, physicochemical variation, residue mobility, and thermodynamic stability) has been performed for this missense variant. However, the output from this modeling did not meet the statistical confidence thresholds required to predict the impact of this variant on TNNT2 protein function. Experimental studies have shown that this missense change affects TNNT2 function (PMID: 14722098, 22334656). This variant disrupts the p.Arg92 amino acid residue in TNNT2. Other variant(s) that disrupt this residue have been determined to be pathogenic (PMID: 7898523, 8205619, 9201030, 10085122, 10617660, 14722098, 18403758). This suggests that this residue is clinically significant, and that variants that disrupt this residue are likely to be disease-causing. For these reasons, this variant has been classified as Pathogenic.

3billion
Classification: Pathogenic for TNNT2-related disorder. Last evaluated: 2025-09-08. Review status: criteria provided, single submitter. Criteria: ACMG Guidelines, 2015. Collection method: clinical testing. Allele origin: germline. Affected: yes.
Comment: The variant is observed at an extremely low frequency in the gnomAD v4.1.0 dataset (total allele frequency: <0.001%). Predicted Consequence/Location: Missense variant Functional studies provide strong evidence of the variant having a damaging effect on the gene or gene product (PMID: 14722098, 22334656). In silico tool predictions suggest damaging effect of the variant on gene or gene product [REVEL: 0.83 (>=0.6, sensitivity 0.68 and specificity 0.92); 3Cnet: 0.99 (> 0.75, sensitivity 0.96 and precision 0.92)]. The same nucleotide change resulting in the same amino acid change has been previously reported as pathogenic/likely pathogenic with strong evidence (ClinVar ID: VCV000043627 /PMID: 8951566 /3billion dataset). Different missense changes at the same codon (p.Arg102Gln, p.Arg102Gly, p.Arg102Leu) have been reported as pathogenic/likely pathogenic with strong evidence (ClinVar ID: VCV000012409, VCV000235063, VCV002942386 /PMID: 8205619, 8989109). Therefore, this variant is classified as Pathogenic according to the recommendation of ACMG/AMP guideline.

Victorian Clinical Genetics Services, Murdoch Childrens Research Institute
Classification: Pathogenic for Hypertrophic cardiomyopathy 2. Last evaluated: 2024-11-28. Review status: criteria provided, single submitter. Criteria: ACMG Guidelines, 2015. Collection method: clinical testing. Allele origin: germline. Affected: yes.
Comment: This variant is classified as Pathogenic. Evidence in support of pathogenic classification: Variant is present in gnomAD <0.001 for a dominant condition (v4: 9 heterozygote(s), 0 homozygote(s)); This variant has strong previous evidence of pathogenicity in unrelated individuals. It has been classified as pathogenic by many clinical laboratories (ClinVar). Additional information: This variant is heterozygous; This gene is associated with autosomal dominant disease; An alternative amino acid change at the same position has been observed in gnomAD (v4: 1 heterozygote(s), 0 homozygote(s)); The mechanism of disease for this gene is not clearly established. Functional studies have suggested loss of function, gain of function and dominant negative mechanisms based on calcium sensitivity, contractibility and mouse models (PMID: 18612386, 32098556, 33025817); Variants in this gene are known to have variable expressivity, e.g. p.(Arg92Gln) has been reported to cause both DCM and HCM, even within the same family (PMID: 26507537); Inheritance information for this variant is not currently available in this individual.

All of Us Research Program, National Institutes of Health
Classification: Pathogenic for Hypertrophic cardiomyopathy. Last evaluated: 2024-09-26. Review status: criteria provided, single submitter. Criteria: ACMG Guidelines, 2015. Collection method: clinical testing. Allele origin: germline. Inheritance: Autosomal dominant inheritance. Observed: 2 variant alleles, 2 heterozygotes.
Comment: This missense variant replaces arginine with tryptophan at codon 92 in the tropomyosin binding domain 1 of the TNNT2 protein. Computational prediction suggests that this variant may have deleterious impact on protein structure and function (internally defined REVEL score threshold >= 0.7, PMID: 27666373). Functional studies using in vitro modeling have shown that this variant may result in impaired tropomyosin binding (PMID: 11606294, 14722098). Additionally, functional studies using mouse models have demonstrated systolic dysfunction and decreased ventricular mass (PMID: 16326803). This variant has been reported in over 15 individuals affected with hypertrophic cardiomyopathy (PMID: 9060892, 10521296, 11346248, 11560853, 12084606, 12860912, 20414521, 22321274, 23494605, 28615295, 29572196, 9060892, 11346248 23494605, 29572196). It has been shown that this variant segregates with disease in multiple affected family members across multiple families (PMID: 9060892, 11346248 23494605, 29572196). A different variant occurring at the same codon, p.Arg92Gln, is a well documented pathogenic mutation (Clinvar variation ID: 12409), indicating that arginine at this position is important for TNNT2 protein function. This variant has been identified in 2/282802 chromosomes in the general population by the Genome Aggregation Database (gnomAD). Based on the available evidence, this variant is classified as Pathogenic.

This study involves interpretation of variants in research participants for the purpose of population health screening. Participant phenotype was not available at the time of variant classification. Additional details can be found in publication PMID: 35346344, PMCID: PMC8962531